The following is an entry in ClinVar:

NM_001122769.3(LCA5):c.1062_1068del (p.Cys353_Tyr354insTer)

Gene: LCA5 (lebercilin LCA5; minus strand). Cytogenetic location: 6q14.1.
Variant type: Deletion.
Coding change: c.1062_1068del on transcript NM_001122769.3 (MANE Select); coding-DNA positions 1062 to 1068, 7 bases deleted (CGAAAAC; older notation c.1062_1068delCGAAAAC).
Protein change: p.Cys353_Tyr354insTer.
Molecular consequence: nonsense.
Genome position (GRCh38, 1-based): chr6:79,491,618-79,491,624, GTTTTCG deleted on the plus strand (CGAAAAC on the coding strand, the reverse complement: LCA5 is on the minus strand). VCF-style (leftmost placement, unchanged base first): chr6-79491617-TGTTTTCG-T. GRCh37 (hg19) VCF-style: chr6-80201334-TGTTTTCG-T.
Other names: c.1062_1068del, p.Cys353_Tyr354insTer (NM_181714.4); c.1062_1068delCGAAAAC (NM_181714.3).
Identifiers: ClinVar variation 810630 (VCV000810630.13), dbSNP rs1769845495, ClinGen allele CA916082885.
Genomic context (GRCh38, chr6:79,491,617, plus strand): 5'-GTTTGGTACATAACAATACTGCTAAACTCACCAAAGTAAGATGTCCTGGTTCTTCCCATT[TGTTTTCG>T]TAACACATAATTGTTTCTGGAGTTAAAGGATATTCTTCTGGCTTGAAGTCTTCCATGGTT-3'

ClinVar aggregate classification (germline): Pathogenic. Review status: criteria provided, multiple submitters, no conflicts (2 of 4 stars). 6 submissions from 6 submitters: Pathogenic (5). 1 of the submissions does not count toward it. Last evaluated 2024-04-02.

Conditions:
Leber congenital amaurosis 5 (LCA5). Also called: Amaurosis congenita of Leber, type 5. Identifiers: Orphanet 65, MedGen C1858301, MONDO:0011473, OMIM 604537.

Allele frequency attached by ClinVar (database versions not stated): gnomAD exomes below 0.00001.

Submissions (6):

Fulgent Genetics
Classification: Pathogenic for Leber congenital amaurosis 5. Last evaluated: 2024-04-02. Review status: criteria provided, single submitter. Criteria: ACMG Guidelines, 2015. Collection method: clinical testing. Allele origin: germline.

Natera, Inc.
Classification: Pathogenic for Leber congenital amaurosis type 5. Last evaluated: 2024-03-10. Review status: criteria provided, single submitter. Criteria: Natera Variant Classification Schema (03/2026). Collection method: clinical testing. Allele origin: germline.
Comment: The c.1062_1068delCGAAAAC variant in LCA5 is a frameshift variant predicted to shift the reading frame and introduce a stop codon. This variant is expected to result in nonsense mediated decay, truncation, or a dysfunctional protein product. This variant is rare in the general population with a frequency below the threshold expected for the associated phenotype(s). This variant has been observed in one or more individuals affected with the associated recessive disease, as either homozygous or compound heterozygous with a second variant (PMID: 24474277, 33957996). Given the available evidence, this variant is classified as Pathogenic.

Baylor Genetics
Classification: Pathogenic for Leber congenital amaurosis 5. Last evaluated: 2023-10-21. Review status: criteria provided, single submitter. Criteria: ACMG Guidelines, 2015. Collection method: clinical testing. Allele origin: unknown.

Labcorp Genetics (formerly Invitae), Labcorp
Classification: Pathogenic. Last evaluated: 2023-05-21. Review status: criteria provided, single submitter. Criteria: Invitae Variant Classification Sherloc (09022015). Collection method: clinical testing. Allele origin: germline.
Comment: This variant is not present in population databases (gnomAD no frequency). This sequence change creates a premature translational stop signal (p.Tyr354*) in the LCA5 gene. It is expected to result in an absent or disrupted protein product. Loss-of-function variants in LCA5 are known to be pathogenic (PMID: 17546029, 23946133). This premature translational stop signal has been observed in individual(s) with LCA5-related conditions (PMID: 24474277, 32214227). ClinVar contains an entry for this variant (Variation ID: 810630). For these reasons, this variant has been classified as Pathogenic.

Revvity Omics, Revvity
Classification: Pathogenic for Leber congenital amaurosis 5. Last evaluated: 2021-10-28. Review status: criteria provided, single submitter. Criteria: ACMG Guidelines, 2015. Collection method: clinical testing. Allele origin: germline.

Section for Clinical Neurogenetics, University of Tübingen
Classification: Pathogenic for Leber congenital amaurosis 5. Last evaluated: 2019-08-01. Review status: no assertion criteria provided. Collection method: research. Allele origin: germline. Affected: yes. Not counted in ClinVar's aggregate classification.

Literature cited by the submitters: PubMed 24474277 (cited by 3 submitters); PubMed 33957996 (cited by Natera, Inc.); PubMed 17546029 (cited by Labcorp Genetics (formerly Invitae), Labcorp); PubMed 23946133 (cited by Labcorp Genetics (formerly Invitae), Labcorp); PubMed 32214227 (cited by Labcorp Genetics (formerly Invitae), Labcorp and Section for Clinical Neurogenetics, University of Tübingen).